The following is an entry in ClinVar:

ClinVar aggregate classification (germline): Uncertain significance. Review status: criteria provided, multiple submitters, no conflicts (2 of 4 stars). 2 submissions from 2 submitters: Uncertain significance (2). Last evaluated 2025-08-03.

Conditions:
Inborn genetic diseases. Identifiers: MedGen C0950123, MeSH D030342.

Allele frequency attached by ClinVar (database versions not stated): gnomAD exomes below 0.00001 and 0.00001; gnomAD 0.00001; TOPMed 0.00001; ExAC 0.00002.
gnomAD v4.1: 4 of 1,603,528 alleles (0.00025%); highest among the groups gnomAD compares: Admixed American, 0.0068%; no homozygotes.

Submissions (2):

Ambry Genetics
Classification: Uncertain significance for Inborn genetic diseases. Last evaluated: 2025-08-03. Review status: criteria provided, single submitter. Criteria: Ambry Variant Classification Scheme 2023. Collection method: clinical testing. Allele origin: germline.

Labcorp Genetics (formerly Invitae), Labcorp
Classification: Uncertain significance. Last evaluated: 2024-11-19. Review status: criteria provided, single submitter. Criteria: Invitae Variant Classification Sherloc (09022015). Collection method: clinical testing. Allele origin: germline.
Comment: This sequence change replaces proline, which is neutral and non-polar, with leucine, which is neutral and non-polar, at codon 700 of the C7 protein (p.Pro700Leu). The frequency data for this variant in the population databases is considered unreliable, as metrics indicate poor data quality at this position in the gnomAD database. This variant has not been reported in the literature in individuals affected with C7-related conditions. ClinVar contains an entry for this variant (Variation ID: 1386164). Invitae Evidence Modeling of protein sequence and biophysical properties (such as structural, functional, and spatial information, amino acid conservation, physicochemical variation, residue mobility, and thermodynamic stability) indicates that this missense variant is not expected to disrupt C7 protein function with a negative predictive value of 80%. In summary, the available evidence is currently insufficient to determine the role of this variant in disease. Therefore, it has been classified as a Variant of Uncertain Significance.

NM_000587.4(C7):c.2099C>T (p.Pro700Leu)

Gene: C7 (complement C7; plus strand). Cytogenetic location: 5p13.1.
Variant type: single nucleotide variant.
Coding change: c.2099C>T on transcript NM_000587.4 (MANE Select); coding-DNA position 2099, C replaced by T.
Protein change: p.Pro700Leu; replaces proline 700 with leucine.
Molecular consequence: missense variant.
Genome position (GRCh38, 1-based): chr5:40,976,774, C>T. VCF-style: chr5-40976774-C-T. GRCh37 (hg19) VCF-style: chr5-40976876-C-T.
Other names: c.2099C>T (NM_000587.2); short protein forms P700L.
Identifiers: ClinVar variation 1386164 (VCV001386164.10), dbSNP rs745729152, ClinGen allele CA3250199.